The following is an entry in ClinVar:

NM_000501.4(ELN):c.43dup (p.Leu15fs)

Gene: ELN (elastin; plus strand). Cytogenetic location: 7q11.23.
Variant type: Duplication.
Coding change: c.43dup on transcript NM_000501.4 (MANE Select); coding-DNA position 43, one base duplicated (C; older notation c.43dupC).
Protein change: p.Leu15fs; shifts the reading frame from leucine 15.
Molecular consequence: frameshift variant.
Genome position (GRCh38, 1-based): chr7:74,028,230, C duplicated; the last of 2 consecutive C bases (chr7:74,028,229-74,028,230); duplicating either gives the same sequence. VCF-style (leftmost placement, unchanged base first): chr7-74028228-T-TC. GRCh37 (hg19) VCF-style: chr7-73442558-T-TC.
Other names: NM_000501.2:c.43dupC; p.Leu15ProfsX50; c.43dup, p.Leu15fs (NM_001081752.3, NM_001081753.3, NM_001081754.3 and 9 more transcripts); short protein forms L15fs.
Identifiers: ClinVar variation 163381 (VCV000163381.4), dbSNP rs727503022, ClinGen allele CA281467.
Genomic context (GRCh38, chr7:74,028,228, plus strand): 5'-CTGGGGCATTTCTCCCCGAGATGGCGGGTCTGACGGCGGCGGCCCCGCGGCCCGGAGTCC[T>TC]CCTGCTCCTGCTGTCCATCCTCCACCCCTCTCGGCCTGGAGGTAAGGACCCCTCGCCCCT-3'

ClinVar aggregate classification (germline): Pathogenic (1 of 4 stars; one submission).

Conditions:
Supravalvar aortic stenosis (SVAS). Also called: Supravalvar aortic stenosis, Eisenberg type. Identifiers: Orphanet 3193, MedGen C0003499, MONDO:0008504, OMIM 185500, HP:0004381.

Submission:

Laboratory for Molecular Medicine, Mass General Brigham Personalized Medicine
Classification: Pathogenic for Supravalvular aortic stenosis. Last evaluated: 2012-03-02. Review status: criteria provided, single submitter. Criteria: LMM Criteria. Collection method: clinical testing. Allele origin: germline. Observed: 1 variant allele.
Comment: The Leu15fs variant (ELN) has not been reported in the literature nor previously identified by our laboratory. This variant is predicted to cause a frameshift, which alters the protein's amino acid sequence beginning at position 15 and lead s to a premature termination codon 50 amino acids downstream. This alteration i s predicted to lead to a truncated or absent protein and therefore to a heterozy gous loss of function of the Elastin (ELN) gene. Loss of function variants in EL N are an established mechanism of disease in SVAS (Human Gene Mutation Database, HGMD). In summary, the Leu15fs variant meets out pathogenicity criteria.